The following is an entry in ClinVar:

ClinVar aggregate classification (germline): Uncertain significance (1 of 4 stars; one submission).

Submission:

Labcorp Genetics (formerly Invitae), Labcorp
Classification: Uncertain significance. Last evaluated: 2024-01-22. Review status: criteria provided, single submitter. Criteria: Invitae Variant Classification Sherloc (09022015). Collection method: clinical testing. Allele origin: germline.
Comment: This sequence change replaces aspartic acid, which is acidic and polar, with glycine, which is neutral and non-polar, at codon 272 of the MARS2 protein (p.Asp272Gly). This variant is not present in population databases (gnomAD no frequency). This variant has not been reported in the literature in individuals affected with MARS2-related conditions. Advanced modeling of protein sequence and biophysical properties (such as structural, functional, and spatial information, amino acid conservation, physicochemical variation, residue mobility, and thermodynamic stability) performed at Invitae indicates that this missense variant is not expected to disrupt MARS2 protein function with a negative predictive value of 80%. In summary, the available evidence is currently insufficient to determine the role of this variant in disease. Therefore, it has been classified as a Variant of Uncertain Significance.

NM_138395.4(MARS2):c.815A>G (p.Asp272Gly)

Gene: MARS2 (methionyl-tRNA synthetase 2, mitochondrial; plus strand). Cytogenetic location: 2q33.1.
Variant type: single nucleotide variant.
Coding change: c.815A>G on transcript NM_138395.4 (MANE Select); coding-DNA position 815, A replaced by G.
Protein change: p.Asp272Gly; replaces aspartic acid 272 with glycine.
Molecular consequence: missense variant.
Genome position (GRCh38, 1-based): chr2:197,706,220, A>G. VCF-style: chr2-197706220-A-G. GRCh37 (hg19) VCF-style: chr2-198570944-A-G.
Other names: short protein forms D272G.
Identifiers: ClinVar variation 2730874 (VCV002730874.3), dbSNP rs2468941503, ClinGen allele CA350213150.